The following is an entry in ClinVar:

ClinVar aggregate classification (germline): Likely benign. Review status: criteria provided, multiple submitters, no conflicts (2 of 4 stars). 2 submissions from 2 submitters: Likely benign (2). Last evaluated 2018-06-14.

Allele frequency attached by ClinVar (database versions not stated): 1000 Genomes Project 0.01158; 1000 Genomes Project 30x 0.01280; TOPMed 0.02684; gnomAD 0.02692 and 0.02771; gnomAD exomes 0.02922.
gnomAD v4.1: 28,851 of 1,003,260 alleles (2.9%); highest among the groups gnomAD compares: Non-Finnish European, 3.6%; 524 homozygotes.

Submissions (2):

GeneDx
Classification: Likely benign. Last evaluated: 2018-06-14. Review status: criteria provided, single submitter. Criteria: GeneDx Variant Classification (06012015). Collection method: clinical testing. Allele origin: germline. Affected: yes.
Comment: This variant is considered likely benign or benign based on one or more of the following criteria: it is a conservative change, it occurs at a poorly conserved position in the protein, it is predicted to be benign by multiple in silico algorithms, and/or has population frequency not consistent with disease.

Breakthrough Genomics
Classification: Likely benign. Review status: criteria provided, single submitter. Criteria: ACMG Guidelines, 2015. Collection method: not provided. Allele origin: germline. Inheritance: Autosomal recessive inheritance. Affected: yes.

NM_020297.4(ABCC9):c.3474-93A>G

Gene: ABCC9 (ATP binding cassette subfamily C member 9; minus strand). Cytogenetic location: 12p12.1.
Variant type: single nucleotide variant.
Coding change: c.3474-93A>G on transcript NM_020297.4 (MANE Select); 93 bases into the intron before coding-DNA position 3474, A replaced by G.
Molecular consequence: intron variant.
Genome position (GRCh38, 1-based): chr12:21,838,263, T>C on the plus strand (A>G on the coding strand, the complement: ABCC9 is on the minus strand). VCF-style: chr12-21838263-T-C. GRCh37 (hg19) VCF-style: chr12-21991197-T-C.
Other names: c.2607-93A>G (NM_001377274.1); c.3474-93A>G (NM_005691.4, NM_001377273.1).
Identifiers: ClinVar variation 674349 (VCV000674349.2), dbSNP rs61926066, ClinGen allele CA233629774.